The following is an entry in ClinVar:

ClinVar aggregate classification (germline): Uncertain significance. Review status: criteria provided, multiple submitters, no conflicts (2 of 4 stars). 4 submissions from 4 submitters: Uncertain significance (4). Last evaluated 2023-12-14.

Conditions:
Early-infantile DEE. Also called: Early infantile epileptic encephalopathy; Early infantile epileptic encephalopathy with suppression bursts; Ohtahara syndrome. Identifiers: Orphanet 1934, MedGen C0393706, MONDO:0800491.
Developmental and epileptic encephalopathy, 5 (DEE5). Identifiers: Orphanet 3451, MedGen C3150731, MONDO:0013277, OMIM 613477.

Submissions (4):

Labcorp Genetics (formerly Invitae), Labcorp
Classification: Uncertain significance for Early-infantile DEE. Last evaluated: 2023-12-14. Review status: criteria provided, single submitter. Criteria: Invitae Variant Classification Sherloc (09022015). Collection method: clinical testing. Allele origin: germline.
Comment: This sequence change replaces leucine, which is neutral and non-polar, with proline, which is neutral and non-polar, at codon 1659 of the SPTAN1 protein (p.Leu1659Pro). This variant is not present in population databases (gnomAD no frequency). This variant has not been reported in the literature in individuals affected with SPTAN1-related conditions. ClinVar contains an entry for this variant (Variation ID: 638004). Advanced modeling of protein sequence and biophysical properties (such as structural, functional, and spatial information, amino acid conservation, physicochemical variation, residue mobility, and thermodynamic stability) has been performed at Invitae for this missense variant, however the output from this modeling did not meet the statistical confidence thresholds required to predict the impact of this variant on SPTAN1 protein function. In summary, the available evidence is currently insufficient to determine the role of this variant in disease. Therefore, it has been classified as a Variant of Uncertain Significance.

Genome-Nilou Lab
Classification: Uncertain significance for Developmental and epileptic encephalopathy, 5. Last evaluated: 2021-07-15. Review status: criteria provided, single submitter. Criteria: ACMG Guidelines, 2015. Collection method: clinical testing. Allele origin: germline. Affected: no.

CeGaT Center for Human Genetics Tuebingen
Classification: Uncertain significance. Last evaluated: 2019-04-01. Review status: criteria provided, single submitter. Criteria: CeGaT Center For Human Genetics Tuebingen Variant Classification Criteria Version 2. Collection method: clinical testing. Allele origin: germline. Affected: yes. Observed: 1 variant allele.

MVZ Martinsried, Medicover Genetics
Classification: Uncertain significance for Developmental and epileptic encephalopathy, 5. Last evaluated: 2019-03-14. Review status: criteria provided, single submitter. Criteria: ACMG Guidelines, 2015. Collection method: clinical testing. Allele origin: unknown. Affected: yes.

NM_001130438.3(SPTAN1):c.4976T>C (p.Leu1659Pro)

Gene: SPTAN1 (spectrin alpha, non-erythrocytic 1; plus strand). Cytogenetic location: 9q34.11.
Variant type: single nucleotide variant.
Coding change: c.4976T>C on transcript NM_001130438.3 (MANE Select); coding-DNA position 4976, T replaced by C.
Protein change: p.Leu1659Pro; replaces leucine 1659 with proline.
Molecular consequence: missense variant.
Genome position (GRCh38, 1-based): chr9:128,612,179, T>C. VCF-style: chr9-128612179-T-C. GRCh37 (hg19) VCF-style: chr9-131374458-T-C.
Other names: c.4901T>C, p.Leu1634Pro (NM_001195532.2); c.4976T>C, p.Leu1659Pro (NM_001363759.2); c.4916T>C, p.Leu1639Pro (NM_001363765.2); c.4961T>C, p.Leu1654Pro (NM_003127.4); short protein forms L1659P, L1634P, L1639P, L1654P.
Identifiers: ClinVar variation 638004 (VCV000638004.48), dbSNP rs1589327320, ClinGen allele CA375071203.